The following is an entry in ClinVar:

NM_004100.5(EYA4):c.1617-5T>A

Genes: TARID (TCF21 antisense RNA inducing promoter demethylation; minus strand), EYA4 (EYA transcriptional coactivator and phosphatase 4; plus strand). Cytogenetic location: 6q23.2.
Variant type: single nucleotide variant.
Coding change: c.1617-5T>A on transcript NM_004100.5 (MANE Select); 5 bases into the intron before coding-DNA position 1617, T replaced by A.
Molecular consequence: intron variant.
Genome position (GRCh38, 1-based): chr6:133,523,051, T>A. VCF-style: chr6-133523051-T-A. GRCh37 (hg19) VCF-style: chr6-133844189-T-A.
Other names: c.1635-5T>A (NM_001301013.2); c.1617-5T>A (NM_172105.4); c.1548-5T>A (NM_001370458.1, NM_172103.4); c.1473-5T>A (NM_001370459.1); c.1455-5T>A (NM_001301012.2).
Identifiers: ClinVar variation 3015782 (VCV003015782.3), dbSNP rs1481535390, ClinGen allele CA570514880.

ClinVar aggregate classification (germline): Uncertain significance (1 of 4 stars; one submission).

Conditions:
Dilated cardiomyopathy 1J (CMD1J). Also called: CARDIOMYOPATHY, DILATED, WITH SENSORINEURAL HEARING LOSS, AUTOSOMAL DOMINANT. Identifiers: Orphanet 217622, MedGen C1854368, MONDO:0011541, OMIM 605362.

Allele frequency attached by ClinVar (database versions not stated): gnomAD exomes below 0.00001; TOPMed below 0.00001; gnomAD 0.00001.
gnomAD v4.1: 3 of 1,608,860 alleles (0.00019%); highest among the groups gnomAD compares: African/African-American, 0.004%; no homozygotes.

Submission:

Labcorp Genetics (formerly Invitae), Labcorp
Classification: Uncertain significance for Dilated cardiomyopathy 1J. Last evaluated: 2025-12-08. Review status: criteria provided, single submitter. Criteria: Invitae Variant Classification Sherloc (09022015). Collection method: clinical testing. Allele origin: germline.
Comment: This sequence change falls in intron 17 of the EYA4 gene. It does not directly change the encoded amino acid sequence of the EYA4 protein. This variant is present in population databases (no rsID available, gnomAD 0.007%). This variant has not been reported in the literature in individuals affected with EYA4-related conditions. ClinVar contains an entry for this variant (Variation ID: 3015782). Algorithms developed to predict the effect of sequence changes on RNA splicing suggest that this variant may disrupt the consensus splice site. In summary, the available evidence is currently insufficient to determine the role of this variant in disease. Therefore, it has been classified as a Variant of Uncertain Significance.